The following is an entry in ClinVar:

ClinVar aggregate classification (germline): Uncertain significance (1 of 4 stars; one submission).

Conditions:
X-linked intellectual disability, Cantagrel type (XLID98). Also called: INTELLECTUAL DEVELOPMENTAL DISORDER, X-LINKED 98. Identifiers: Orphanet 85277, MedGen C3806730, MONDO:0010483, OMIM 300912.

Submission:

Neuberg Centre For Genomic Medicine, NCGM
Classification: Uncertain significance for X-linked intellectual disability, Cantagrel type. Review status: criteria provided, single submitter. Criteria: ACMG Guidelines, 2015. Collection method: clinical testing. Allele origin: germline. Affected: yes.
Comment: The missense variant p.H665Y in KIA2022 (NM_001008537.3) has not been reported previously as a pathogenic variant nor as a benign variant, to our knowledge. The p.H665Y variant is novel (not in any individuals) in gnomAD Exomes and is novel (not in any individuals) in 1000 Genomes. There is a moderate physicochemical difference between histidine and tyrosine. The variant is predicted to be damaging by SIFT and the residue is conserved across species. The amino acid change p.His665Tyr in KIAA2022 is predicted as conserved by GERP++ and PhyloP across 100 vertebrates. For these reasons, this variant has been classified as Uncertain Significance

NM_001008537.3(NEXMIF):c.1993C>T (p.His665Tyr)

Gene: NEXMIF (neurite extension and migration factor; minus strand). Cytogenetic location: Xq13.3.
Variant type: single nucleotide variant.
Coding change: c.1993C>T on transcript NM_001008537.3 (MANE Select); coding-DNA position 1993, C replaced by T.
Protein change: p.His665Tyr; replaces histidine 665 with tyrosine.
Molecular consequence: missense variant.
Genome position (GRCh38, 1-based): chrX:74,742,564, G>A on the plus strand (C>T on the coding strand, the complement: NEXMIF is on the minus strand). VCF-style: chrX-74742564-G-A. GRCh37 (hg19) VCF-style: chrX-73962399-G-A.
Other names: short protein forms H665Y.
Identifiers: ClinVar variation 1878588 (VCV001878588.1), dbSNP rs2519914663, ClinGen allele CA413669221.
Genomic context (GRCh38, chrX:74,742,564, plus strand): 5'-AGCTAGGAGCACCCAGAGGTGCTGACTTCAGTGTACCTTTTAGGCCTCCATCTTCTTTAT[G>A]ATTACTAGCGTGCCTCTGATCATTACATAATGAAATCTGTTTACTACTTGCTGAAATTTC-3'
Protein context (NP_001008537.1, residues 655-675): LCNDQRHASN[His665Tyr]KEDGGLKGTL